The following is an entry in ClinVar:

NM_206933.4(USH2A):c.1644+5G>C

Gene: USH2A (usherin; minus strand). Cytogenetic location: 1q41.
Variant type: single nucleotide variant.
Coding change: c.1644+5G>C on transcript NM_206933.4 (MANE Select); 5 bases into the intron after coding-DNA position 1644, G replaced by C.
Molecular consequence: intron variant.
Genome position (GRCh38, 1-based): chr1:216,321,878, C>G on the plus strand (G>C on the coding strand, the complement: USH2A is on the minus strand). VCF-style: chr1-216321878-C-G. GRCh37 (hg19) VCF-style: chr1-216495220-C-G.
Other names: c.1644+5G>C (NM_007123.6).
Identifiers: ClinVar variation 865949 (VCV000865949.5), dbSNP rs1558036810, ClinGen allele CA916082147.

ClinVar aggregate classification (germline): Conflicting classifications of pathogenicity. Review status: criteria provided, conflicting classifications (1 of 4 stars). 5 submissions from 4 submitters: Likely pathogenic (1); Uncertain significance (4). Last evaluated 2023-10-19.

Conditions:
USH2A-related disorder. Also called: USH2A-related condition; USH2A-related disorders. Identifiers: MedGen CN239332.
Retinitis pigmentosa 39 (RP39). Identifiers: Orphanet 791, MedGen C3151138, MONDO:0013436, OMIM 613809.
Usher syndrome type 2A. Also called: RETINAL DISEASE IN USHER SYNDROME TYPE IIA, MODIFIER OF; USHER SYNDROME, TYPE IIA. Identifiers: Orphanet 231178, Orphanet 886, MedGen C1848634, MONDO:0010169, OMIM 276901.

Allele frequency attached by ClinVar (database versions not stated): gnomAD exomes below 0.00001.
gnomAD v4.1: 1 of 1,612,688 alleles (0.000062%); highest among the groups gnomAD compares: Admixed American, 0.0017%; no homozygotes.

Submissions (5):

Women's Health and Genetics/Laboratory Corporation of America, LabCorp
Classification: Uncertain significance. Last evaluated: 2023-10-19. Review status: criteria provided, single submitter. Criteria: LabCorp Variant Classification Summary - May 2015. Collection method: clinical testing. Allele origin: germline.
Comment: Variant summary: USH2A c.1644+5G>C alters a conserved nucleotide located close to a canonical splice site and therefore could affect mRNA splicing, leading to a significantly altered protein sequence. Several computational tools predict a significant impact on normal splicing: Two predict the variant abolishes a canonical 5' splicing donor site. Two predict the variant weakens a canonical 5' donor site. However, these predictions have yet to be confirmed by functional studies. The variant allele was found at a frequency of 4e-06 in 250896 control chromosomes (gnomAD). The available data on variant occurrences in the general population are insufficient to allow any conclusion about variant significance. c.1644+5G>C has been reported in the literature in an individual who underwent whole-genome sequencing analysis ( Turro_2020). This report does not provide unequivocal conclusions about association of the variant with Usher Syndrome. To our knowledge, no experimental evidence demonstrating an impact on protein function has been reported. The following publication has been ascertained in the context of this evaluation (PMID: 32581362). One submitter has cited clinical-significance assessments for this variant to ClinVar after 2014 and has classified the variant as uncertain significance. Based on the evidence outlined above, the variant was classified as uncertain significance.

Genome-Nilou Lab
Classification: Uncertain significance for Retinitis pigmentosa 39. Last evaluated: 2023-04-11. Review status: criteria provided, single submitter. Criteria: ACMG Guidelines, 2015. Collection method: clinical testing. Allele origin: germline. Affected: no.

Genome-Nilou Lab
Classification: Uncertain significance for Usher syndrome type 2A. Last evaluated: 2023-04-11. Review status: criteria provided, single submitter. Criteria: ACMG Guidelines, 2015. Collection method: clinical testing. Allele origin: germline. Affected: no.

Blueprint Genetics
Classification: Likely pathogenic for USH2A-related disorders. Last evaluated: 2021-05-05. Review status: criteria provided, single submitter. Criteria: ACMG Guidelines, 2015. Collection method: clinical testing. Allele origin: germline. Affected: yes. Observed: 3 variant alleles.

Neuberg Centre For Genomic Medicine, NCGM
Classification: Uncertain significance for Usher syndrome type 2A. Review status: criteria provided, single submitter. Criteria: ACMG Guidelines, 2015. Collection method: clinical testing. Allele origin: germline. Inheritance: Autosomal recessive inheritance. Affected: yes.
Comment: The observed splice c.1644+5G>C variant in USH2A gene has not been reported previously as a pathogenic variant nor as a benign variant, to our knowledge. The c.1644+5G>C variant is present with allele frequency of 0.0004% in gnomAD Exomes. This variant has been submitted to the ClinVar database as Uncertain Significance. The SpliceAI predicts a score of 0.94 (Damaging) for this variant. Additional functional studies will be required to prove the pathogenicity of this variant. For these reasons, this variant has been classified as a Variant of Uncertain Significance.

Literature cited by the submitters: PubMed 32581362 (cited by Women's Health and Genetics/Laboratory Corporation of America, LabCorp).